The following is an entry in ClinVar:

NM_000048.4(ASL):c.566A>G (p.Glu189Gly)

Gene: ASL (argininosuccinate lyase; plus strand). Cytogenetic location: 7q11.21.
Variant type: single nucleotide variant.
Coding change: c.566A>G on transcript NM_000048.4 (MANE Select); coding-DNA position 566, A replaced by G.
Protein change: p.Glu189Gly; replaces glutamic acid 189 with glycine.
Molecular consequence: missense variant. On other transcripts: intron variant (1).
Genome position (GRCh38, 1-based): chr7:66,086,785, A>G. VCF-style: chr7-66086785-A-G. GRCh37 (hg19) VCF-style: chr7-65551772-A-G.
Other names: c.566A>G, p.Glu189Gly (NM_001024943.2, NM_001024944.2); c.524+123A>G (NM_001024946.2); short protein forms E189G.
Identifiers: ClinVar variation 555511 (VCV000555511.16), dbSNP rs756363516, ClinGen allele CA4277006.

ClinVar aggregate classification (germline): Pathogenic/Likely pathogenic. Review status: criteria provided, multiple submitters, no conflicts (2 of 4 stars). 5 submissions from 5 submitters: Pathogenic (2); Likely pathogenic (2). 1 of the submissions does not count toward it. Last evaluated 2025-05-27.

Conditions:
Argininosuccinate lyase deficiency. Also called: ARGININOSUCCINIC ACID LYASE DEFICIENCY; ASL DEFICIENCY; Argininosuccinic aciduria. Identifiers: Orphanet 23, MedGen C0268547, MONDO:0008815, OMIM 207900, HP:0025630.

Allele frequency attached by ClinVar (database versions not stated): TOPMed below 0.00001; gnomAD 0.00001; gnomAD exomes 0.00001; ExAC 0.00002.
gnomAD v4.1: 16 of 1,593,438 alleles (0.001%); highest among the groups gnomAD compares: Non-Finnish European, 0.0013%; no homozygotes.

Submissions (5):

Labcorp Genetics (formerly Invitae), Labcorp
Classification: Pathogenic for Argininosuccinate lyase deficiency. Last evaluated: 2025-05-27. Review status: criteria provided, single submitter. Criteria: Invitae Variant Classification Sherloc (09022015). Collection method: clinical testing. Allele origin: germline.
Comment: This sequence change replaces glutamic acid, which is acidic and polar, with glycine, which is neutral and non-polar, at codon 189 of the ASL protein (p.Glu189Gly). The frequency data for this variant in the population databases is considered unreliable, as metrics indicate poor data quality at this position in the gnomAD database. This missense change has been observed in individual(s) with argininosuccinate lyase deficiency (PMID: 20236848, 24136197, 31943503). In at least one individual the data is consistent with being in trans (on the opposite chromosome) from a pathogenic variant. It has also been observed to segregate with disease in related individuals. ClinVar contains an entry for this variant (Variation ID: 555511). Invitae Evidence Modeling of protein sequence and biophysical properties (such as structural, functional, and spatial information, amino acid conservation, physicochemical variation, residue mobility, and thermodynamic stability) indicates that this missense variant is expected to disrupt ASL protein function with a positive predictive value of 95%. Experimental studies are conflicting or provide insufficient evidence to determine the effect of this variant on ASL function (PMID: 21667091, 24136197, 25778938). For these reasons, this variant has been classified as Pathogenic.

Natera, Inc.
Classification: Likely pathogenic for Argininosuccinate lyase deficiency. Last evaluated: 2025-01-17. Review status: criteria provided, single submitter. Criteria: Natera Variant Classification Schema (03/2026). Collection method: clinical testing. Allele origin: germline.
Comment: The c.566A>G variant in ASL is a missense variant predicted to cause substitution of glutamic acid to glycine at amino acid 189. This variant is rare in the general population with a frequency below the threshold expected for the associated phenotype(s). This variant has been observed in one or more individuals affected with the associated recessive disease, as either homozygous or compound heterozygous with a second variant (PMID: 20236848, 24136197, 34014557, 31943503). Additionally, this variant has been observed to segregate in affected family members (PMID: 20236848). Computational prediction algorithms indicate this variant is likely to affect gene or protein function. Given the available evidence, this variant is classified as Likely Pathogenic.

Baylor Genetics
Classification: Pathogenic for Argininosuccinate lyase deficiency. Last evaluated: 2024-03-17. Review status: criteria provided, single submitter. Criteria: ACMG Guidelines, 2015. Collection method: clinical testing. Allele origin: unknown.

Fulgent Genetics
Classification: Likely pathogenic for Argininosuccinate lyase deficiency. Last evaluated: 2022-03-21. Review status: criteria provided, single submitter. Criteria: ACMG Guidelines, 2015. Collection method: clinical testing. Allele origin: unknown.

Counsyl
Classification: Likely pathogenic for Argininosuccinate lyase deficiency. Last evaluated: 2017-12-11. Review status: no assertion criteria provided. Collection method: clinical testing. Allele origin: unknown. Not counted in ClinVar's aggregate classification.

Literature cited by the submitters: PubMed 20236848 (cited by 3 submitters); PubMed 24136197 (cited by 3 submitters); PubMed 31943503 (cited by Labcorp Genetics (formerly Invitae), Labcorp and Natera, Inc.); PubMed 21667091 (cited by Labcorp Genetics (formerly Invitae), Labcorp and Counsyl); PubMed 25778938 (cited by Labcorp Genetics (formerly Invitae), Labcorp and Counsyl); PubMed 34014557 (cited by Natera, Inc.); PubMed 22231378 (cited by Counsyl); PubMed 24166829 (cited by Counsyl).